The following is an entry in ClinVar:

NM_012123.4(MTO1):c.332A>G (p.Tyr111Cys)

Gene: MTO1 (mitochondrial tRNA translation optimization 1; plus strand). Cytogenetic location: 6q13.
Variant type: single nucleotide variant.
Coding change: c.332A>G on transcript NM_012123.4 (MANE Select); coding-DNA position 332, A replaced by G.
Protein change: p.Tyr111Cys; replaces tyrosine 111 with cysteine.
Molecular consequence: missense variant.
Genome position (GRCh38, 1-based): chr6:73,466,323, A>G. VCF-style: chr6-73466323-A-G. GRCh37 (hg19) VCF-style: chr6-74176046-A-G.
Other names: c.332A>G, p.Tyr111Cys (NM_001123226.2, NM_133645.3); short protein forms Y111C.
Identifiers: ClinVar variation 2005207 (VCV002005207.4), dbSNP rs2533245341, ClinGen allele CA364712701.

ClinVar aggregate classification (germline): Uncertain significance (1 of 4 stars; one submission).

Conditions:
Mitochondrial hypertrophic cardiomyopathy with lactic acidosis due to MTO1 deficiency. Also called: Combined oxidative phosphorylation deficiency 10; CARDIOMYOPATHY, INFANTILE HYPERTROPHIC MITOCHONDRIAL, AND LACTIC ACIDOSIS. Identifiers: Orphanet 314637, MedGen C4749921, MONDO:0013865, OMIM 614702.

Allele frequency attached by ClinVar (database versions not stated): gnomAD exomes below 0.00001.
gnomAD v4.1: 5 of 1,614,188 alleles (0.00031%); highest among the groups gnomAD compares: Non-Finnish European, 0.00034%; no homozygotes.

Submission:

Labcorp Genetics (formerly Invitae), Labcorp
Classification: Uncertain significance for Mitochondrial hypertrophic cardiomyopathy with lactic acidosis due to MTO1 deficiency. Last evaluated: 2022-06-12. Review status: criteria provided, single submitter. Criteria: Invitae Variant Classification Sherloc (09022015). Collection method: clinical testing. Allele origin: germline.
Comment: In summary, the available evidence is currently insufficient to determine the role of this variant in disease. Therefore, it has been classified as a Variant of Uncertain Significance. Algorithms developed to predict the effect of missense changes on protein structure and function are either unavailable or do not agree on the potential impact of this missense change (SIFT: "Deleterious"; PolyPhen-2: "Probably Damaging"; Align-GVGD: "Class C0"). This variant has not been reported in the literature in individuals affected with MTO1-related conditions. This variant is not present in population databases (gnomAD no frequency). This sequence change replaces tyrosine, which is neutral and polar, with cysteine, which is neutral and slightly polar, at codon 111 of the MTO1 protein (p.Tyr111Cys).